The following is an entry in ClinVar:

NM_004006.3(DMD):c.7098+1G>C

Gene: DMD (dystrophin; minus strand). Cytogenetic location: Xp21.1.
Variant type: single nucleotide variant.
Coding change: c.7098+1G>C on transcript NM_004006.3 (MANE Select); the canonical splice donor site of the intron after coding-DNA position 7098, G replaced by C.
Molecular consequence: splice donor variant.
Genome position (GRCh38, 1-based): chrX:31,875,187, C>G on the plus strand (G>C on the coding strand, the complement: DMD is on the minus strand). VCF-style: chrX-31875187-C-G. GRCh37 (hg19) VCF-style: chrX-31893304-C-G.
Other names: c.7074+1G>C (NM_000109.4); c.3075+1G>C (NM_004011.4); c.3066+1G>C (NM_004012.4); c.-283+1G>C (NM_004023.3, NM_004020.4, NM_004022.3 and 2 more transcripts); c.7086+1G>C (NM_004009.3); c.6729+1G>C (NM_004010.3).
Identifiers: ClinVar variation 2110804 (VCV002110804.4), dbSNP rs1556962223, ClinGen allele CA412659853.
Genomic context (GRCh38, chrX:31,875,187, plus strand): 5'-TCAGTGATATTGCCATTTTTCTTAAAAAAGACAAAAATATTTAAAGCAAAAAGTTCCCTA[C>G]CTTAACGTCAAATGGTCCTTCTTGGTTTGGTTGGTTATAAATTTCCAACTGATTCCTAAT-3'

ClinVar aggregate classification (germline): Pathogenic (1 of 4 stars; one submission).

Conditions:
Duchenne muscular dystrophy (DMD). Also called: MUSCULAR DYSTROPHY, PSEUDOHYPERTROPHIC PROGRESSIVE, DUCHENNE TYPE; Duchenne Muscular Dystrophy (DMD). Identifiers: Orphanet 98896, MedGen C0013264, MONDO:0010679, OMIM 310200.

Submission:

Labcorp Genetics (formerly Invitae), Labcorp
Classification: Pathogenic for Duchenne muscular dystrophy. Last evaluated: 2022-03-13. Review status: criteria provided, single submitter. Criteria: Invitae Variant Classification Sherloc (09022015). Collection method: clinical testing. Allele origin: germline.
Comment: For these reasons, this variant has been classified as Pathogenic. Algorithms developed to predict the effect of sequence changes on RNA splicing suggest that this variant may disrupt the consensus splice site. This variant is also known as G7306+1>A. Disruption of this splice site has been observed in individuals with DMD-related conditions (PMID: 7951253, 32194622; Invitae). This variant is not present in population databases (gnomAD no frequency). This sequence change affects a donor splice site in intron 48 of the DMD gene. It is expected to disrupt RNA splicing. Variants that disrupt the donor or acceptor splice site typically lead to a loss of protein function (PMID: 16199547), and loss-of-function variants in DMD are known to be pathogenic (PMID: 16770791, 25007885).

Literature cited by the submitters: PubMed 7951253; PubMed 32194622; PubMed 16199547; PubMed 16770791; PubMed 25007885.